The following is an entry in ClinVar:

NM_005219.5(DIAPH1):c.2053G>A (p.Ala685Thr)

Gene: DIAPH1 (diaphanous related formin 1; minus strand). Cytogenetic location: 5q31.3.
Variant type: single nucleotide variant.
Coding change: c.2053G>A on transcript NM_005219.5 (MANE Select); coding-DNA position 2053, G replaced by A.
Protein change: p.Ala685Thr; replaces alanine 685 with threonine.
Molecular consequence: missense variant.
Genome position (GRCh38, 1-based): chr5:141,573,797, C>T on the plus strand (G>A on the coding strand, the complement: DIAPH1 is on the minus strand). VCF-style: chr5-141573797-C-T. GRCh37 (hg19) VCF-style: chr5-140953364-C-T.
Other names: c.2053G>A, p.Ala685Thr (NM_001314007.2); c.2026G>A, p.Ala676Thr (NM_001079812.3); short protein forms A676T, A685T.
Identifiers: ClinVar variation 3375790 (VCV003375790.1).

ClinVar aggregate classification (germline): Uncertain significance (1 of 4 stars; one submission).

Submission:

GeneDx
Classification: Uncertain significance. Last evaluated: 2024-05-08. Review status: criteria provided, single submitter. Criteria: GeneDx Variant Classification Process June 2021. Collection method: clinical testing. Allele origin: germline. Affected: yes.
Comment: Not observed at significant frequency in large population cohorts (gnomAD); In silico analysis indicates that this missense variant does not alter protein structure/function; Has not been previously published as pathogenic or benign to our knowledge